The following is an entry in ClinVar:

ClinVar aggregate classification (germline): Conflicting classifications of pathogenicity. Review status: criteria provided, conflicting classifications (1 of 4 stars). 2 submissions from 2 submitters: Likely pathogenic (1); Uncertain significance (1). Last evaluated 2022-11-29.

Conditions:
KAT6A-related disorder. Also called: KAT6A-related condition.
Inborn genetic diseases. Identifiers: MedGen C0950123, MeSH D030342.

Submissions (2):

Blueprint Genetics
Classification: Likely pathogenic for KAT6A-related disorders. Last evaluated: 2022-11-29. Review status: criteria provided, single submitter. Criteria: ACMG Guidelines, 2015. Collection method: clinical testing. Allele origin: de novo. Affected: yes. Observed: 1 variant allele.

Ambry Genetics
Classification: Uncertain significance for Inborn genetic diseases. Last evaluated: 2018-02-28. Review status: criteria provided, single submitter. Criteria: Ambry Variant Classification Scheme 2023. Collection method: clinical testing. Allele origin: germline.
Comment: The p.D1552A variant (also known as c.4655A>C), located in coding exon 16 of the KAT6A gene, results from an A to C substitution at nucleotide position 4655. The aspartic acid at codon 1552 is replaced by alanine, an amino acid with dissimilar properties. This amino acid position is highly conserved in available vertebrate species. In addition, the in silico prediction for this alteration is inconclusive. Since supporting evidence is limited at this time, the clinical significance of this alteration remains unclear.

NM_006766.5(KAT6A):c.4655A>C (p.Asp1552Ala)

Gene: KAT6A (lysine acetyltransferase 6A; minus strand). Cytogenetic location: 8p11.21.
Variant type: single nucleotide variant.
Coding change: c.4655A>C on transcript NM_006766.5 (MANE Select); coding-DNA position 4655, A replaced by C.
Protein change: p.Asp1552Ala; replaces aspartic acid 1552 with alanine.
Molecular consequence: missense variant.
Genome position (GRCh38, 1-based): chr8:41,933,565, T>G on the plus strand (A>C on the coding strand, the complement: KAT6A is on the minus strand). VCF-style: chr8-41933565-T-G. GRCh37 (hg19) VCF-style: chr8-41791083-T-G.
Other names: short protein forms D1552A.
Identifiers: ClinVar variation 1742200 (VCV001742200.3), dbSNP rs2486754177, ClinGen allele CA371065129.